The following is an entry in ClinVar:

NM_177987.3(TUBB8):c.880T>C (p.Phe294Leu)

Gene: TUBB8 (tubulin beta 8 class VIII; minus strand). Cytogenetic location: 10p15.3.
Variant type: single nucleotide variant.
Coding change: c.880T>C on transcript NM_177987.3 (MANE Select); coding-DNA position 880, T replaced by C.
Protein change: p.Phe294Leu; replaces phenylalanine 294 with leucine.
Molecular consequence: missense variant.
Genome position (GRCh38, 1-based): chr10:47,512, A>G on the plus strand (T>C on the coding strand, the complement: TUBB8 is on the minus strand). VCF-style: chr10-47512-A-G. GRCh37 (hg19) VCF-style: chr10-93452-A-G.
Other names: c.664T>C, p.Phe222Leu (NM_001389618.1, NM_001389619.1); short protein forms F222L, F294L.
Identifiers: ClinVar variation 4686581 (VCV004686581.1).
Genomic context (GRCh38, chr10:47,512, plus strand): 5'-CCGCCGTTAGGTAGCGGCCGTGACGGGGGTCACAGGCAGCCATCATGTTCTTAGCATCAA[A>G]CATCTGCTGGGTAAGCTCAGCCACAGTCAAGGCCCGGTACTGCTGGCTGCCCCGGCTGGT-3'
Protein context (NP_817124.1, residues 284-304): LTVAELTQQM[Phe294Leu]DAKNMMAACD

ClinVar aggregate classification (germline): Likely pathogenic (1 of 4 stars; one submission).

Conditions:
Oocyte maturation defect 2 (OZEMA2). Also called: OOCYTE/ZYGOTE/EMBRYO MATURATION ARREST 2. Identifiers: MedGen C4225210, MONDO:0021573, OMIM 616780.

Submission:

Division of Molecular Genetics, Fujita Health University
Classification: Likely pathogenic for Oocyte maturation defect 2. Last evaluated: 2026-01-19. Review status: criteria provided, single submitter. Criteria: ACMG Guidelines, 2015. Collection method: research. Allele origin: de novo. Inheritance: Autosomal dominant inheritance. Affected: yes. Observed: 1 heterozygote.
Comment: Classified as Likely pathogenic for oocyte maturation defect 2 (OZEMA2; OMIM 616780). The variant NM_177987.3:c.880T>C (NP_817124.1:p.Phe294Leu) is a missense change. Interpretation followed ACMG/AMP guidelines.

Literature cited by the submitters: DOI 10.1016/j.rbmo.2025.105372.